The following is an entry in ClinVar:

ClinVar aggregate classification (germline): Uncertain significance (1 of 4 stars; one submission).

Conditions:
Charcot-Marie-Tooth disease, type I (CMT1). Also called: Charcot-Marie-Tooth disease type 1; Charcot-Marie-Tooth, Type 1. Identifiers: Orphanet 65753, MedGen C0751036, MONDO:0019011.

Submission:

Labcorp Genetics (formerly Invitae), Labcorp
Classification: Uncertain significance for Charcot-Marie-Tooth disease, type I. Last evaluated: 2023-12-22. Review status: criteria provided, single submitter. Criteria: Invitae Variant Classification Sherloc (09022015). Collection method: clinical testing. Allele origin: germline.
Comment: This sequence change replaces isoleucine, which is neutral and non-polar, with lysine, which is basic and polar, at codon 114 of the MPZ protein (p.Ile114Lys). This variant is not present in population databases (gnomAD no frequency). This variant has not been reported in the literature in individuals affected with MPZ-related conditions. Advanced modeling of protein sequence and biophysical properties (such as structural, functional, and spatial information, amino acid conservation, physicochemical variation, residue mobility, and thermodynamic stability) performed at Invitae indicates that this missense variant is expected to disrupt MPZ protein function with a positive predictive value of 80%. This variant disrupts the p.Ile114 amino acid residue in MPZ. Other variant(s) that disrupt this residue have been determined to be pathogenic (PMID: 26310628, 29687021; Invitae). This suggests that this residue is clinically significant, and that variants that disrupt this residue are likely to be disease-causing. In summary, the available evidence is currently insufficient to determine the role of this variant in disease. Therefore, it has been classified as a Variant of Uncertain Significance.

Literature cited by the submitters: PubMed 26310628; PubMed 29687021.

NM_000530.8(MPZ):c.341T>A (p.Ile114Lys)

Gene: MPZ (myelin protein zero; minus strand). Cytogenetic location: 1q23.3.
Variant type: single nucleotide variant.
Coding change: c.341T>A on transcript NM_000530.8 (MANE Select); coding-DNA position 341, T replaced by A.
Protein change: p.Ile114Lys; replaces isoleucine 114 with lysine.
Molecular consequence: missense variant.
Genome position (GRCh38, 1-based): chr1:161,306,815, A>T on the plus strand (T>A on the coding strand, the complement: MPZ is on the minus strand). VCF-style: chr1-161306815-A-T. GRCh37 (hg19) VCF-style: chr1-161276605-A-T.
Other names: c.341T>A, p.Ile114Lys (NM_001315491.2); short protein forms I114K.
Identifiers: ClinVar variation 2704959 (VCV002704959.3), dbSNP rs267607241, ClinGen allele CA343349259.